The following is an entry in ClinVar:

NM_000048.4(ASL):c.13-1G>C

Gene: ASL (argininosuccinate lyase; plus strand). Cytogenetic location: 7q11.21.
Variant type: single nucleotide variant.
Coding change: c.13-1G>C on transcript NM_000048.4 (MANE Select); the canonical splice acceptor site of the intron before coding-DNA position 13, G replaced by C.
Molecular consequence: splice acceptor variant.
Genome position (GRCh38, 1-based): chr7:66,081,802, G>C. VCF-style: chr7-66081802-G-C. GRCh37 (hg19) VCF-style: chr7-65546789-G-C.
Other names: c.13-1G>C (NM_001024943.2, NM_001024944.2, NM_001024946.2 and 1 more transcripts).
Identifiers: ClinVar variation 553491 (VCV000553491.5), dbSNP rs1554326239, ClinGen allele CA367637482.

ClinVar aggregate classification (germline): Pathogenic/Likely pathogenic. Review status: criteria provided, multiple submitters, no conflicts (2 of 4 stars). 3 submissions from 3 submitters: Pathogenic (1); Likely pathogenic (1). 1 of the submissions does not count toward it. Last evaluated 2025-08-27.

Conditions:
Argininosuccinate lyase deficiency. Also called: Argininosuccinic aciduria; ARGININOSUCCINIC ACID LYASE DEFICIENCY; ASL DEFICIENCY. Identifiers: Orphanet 23, MedGen C0268547, MONDO:0008815, OMIM 207900, HP:0025630.

Submissions (3):

Natera, Inc.
Classification: Likely pathogenic for Argininosuccinate lyase deficiency. Last evaluated: 2025-08-27. Review status: criteria provided, single submitter. Criteria: Natera Variant Classification Schema (03/2026). Collection method: clinical testing. Allele origin: germline.
Comment: The c.13-1G>C variant in ASL is a canonical splice acceptor site variant predicted to affect pre-mRNA splicing, which may result in an abnormal transcript and altered protein product. This variant is expected to result in nonsense mediated decay, truncation, or a dysfunctional protein product. This variant is rare in the general population with a frequency below the threshold expected for the associated phenotype(s). Given the available evidence, this variant is classified as Likely Pathogenic.

Daryl Scott Lab, Baylor College of Medicine
Classification: Pathogenic for Argininosuccinate lyase deficiency. Last evaluated: 2024-01-01. Review status: criteria provided, single submitter. Criteria: ACMG Guidelines, 2015. Collection method: clinical testing. Allele origin: paternal. Observed: 1 heterozygote.
Comment: PVS1, PM2

Counsyl
Classification: Likely pathogenic for Argininosuccinate lyase deficiency. Last evaluated: 2017-08-22. Review status: no assertion criteria provided. Collection method: clinical testing. Allele origin: unknown. Not counted in ClinVar's aggregate classification.